The following is an entry in ClinVar:

NM_001371072.1(USP11):c.2583T>C (p.Phe861=)

Gene: USP11 (ubiquitin specific peptidase 11; plus strand). Cytogenetic location: Xp11.3.
Variant type: single nucleotide variant.
Coding change: c.2583T>C on transcript NM_001371072.1 (MANE Select); coding-DNA position 2583, T replaced by C.
Protein change: p.Phe861=; no amino-acid change (phenylalanine 861 retained).
Molecular consequence: synonymous variant.
Genome position (GRCh38, 1-based): chrX:47,247,657, T>C. VCF-style: chrX-47247657-T-C. GRCh37 (hg19) VCF-style: chrX-47107056-T-C.
Identifiers: ClinVar variation 2660420 (VCV002660420.24), dbSNP rs2521927438, ClinGen allele CA516352996.

ClinVar aggregate classification (germline): Likely benign (1 of 4 stars; one submission).

Submission:

CeGaT Center for Human Genetics Tuebingen
Classification: Likely benign. Last evaluated: 2023-02-01. Review status: criteria provided, single submitter. Criteria: CeGaT Center For Human Genetics Tuebingen Variant Classification Criteria Version 2. Collection method: clinical testing. Allele origin: germline. Affected: yes. Observed: 1 variant allele.
Comment: USP11: PM2:Supporting, BP4, BP7